The following is an entry in ClinVar:

ClinVar aggregate classification (germline): Uncertain significance (1 of 4 stars; one submission).

Conditions:
Mitochondrial DNA depletion syndrome 13. Also called: FBXL4-Related Encephalomyopathic Mitochondrial DNA Depletion Syndrome; Mitochondrial DNA depletion syndrome 13 (encephalomyopathic type). Identifiers: Orphanet 369897, MedGen C3809592, MONDO:0014198, OMIM 615471.

Allele frequency attached by ClinVar (database versions not stated): gnomAD exomes below 0.00001; ExAC 0.00001; gnomAD 0.00001; 1000 Genomes Project 30x 0.00016; 1000 Genomes Project 0.00020.
gnomAD v4.1: 1 of 1,614,056 alleles (0.000062%); highest among the groups gnomAD compares: Admixed American, 0.0017%; no homozygotes.

Submission:

Wong Mito Lab, Molecular and Human Genetics, Baylor College of Medicine
Classification: Uncertain significance for Mitochondrial DNA depletion syndrome 13. Last evaluated: 2017-08-10. Review status: criteria provided, single submitter. Criteria: ACMG Guidelines, 2015. Collection method: reference population. Allele origin: germline.
Comment: The NM_012160.4:c.668T>G (NP_036292.2:p.Val223Gly) [GRCH38: NC_000006.12:g.98917564A>C] variant in FBXL4 gene is interpretated to be a Uncertain Significance - Insufficient Evidence based on ACMG guidelines (PMID: 25741868). This variant meets one or more of the following evidence codes reported in the ACMG-guideline. PM2:This variant is absent in key population databases. PP3:Computational evidence/predictors indicate the variant has deleterious effect on FBXL4 structure, function, or protein-protein interaction. Based on this evidence code ClinGen Pathogenicity Calculator (PMID:28081714) suggested that the variant is Uncertain Significance - Insufficient Evidence.

NM_001278716.2(FBXL4):c.668T>G (p.Val223Gly)

Gene: FBXL4 (F-box and leucine rich repeat protein 4; minus strand). Cytogenetic location: 6q16.2.
Variant type: single nucleotide variant.
Coding change: c.668T>G on transcript NM_001278716.2 (MANE Select); coding-DNA position 668, T replaced by G.
Protein change: p.Val223Gly; replaces valine 223 with glycine.
Molecular consequence: missense variant.
Genome position (GRCh38, 1-based): chr6:98,917,564, A>C on the plus strand (T>G on the coding strand, the complement: FBXL4 is on the minus strand). VCF-style: chr6-98917564-A-C. GRCh37 (hg19) VCF-style: chr6-99365440-A-C.
Other names: c.668T>G, p.Val223Gly (NM_012160.5); short protein forms V223G.
Identifiers: ClinVar variation 437612 (VCV000437612.1), dbSNP rs200734083, ClinGen allele CA3933641.